The following is an entry in ClinVar:

NM_004614.5(TK2):c.122C>A (p.Pro41His)

Genes: TK2 (thymidine kinase 2; minus strand), LOC130059156 (ATAC-STARR-seq lymphoblastoid silent region 7560; plus strand). Cytogenetic location: 16q21.
Variant type: single nucleotide variant.
Coding change: c.122C>A on transcript NM_004614.5 (MANE Select); coding-DNA position 122, C replaced by A.
Protein change: p.Pro41His; replaces proline 41 with histidine.
Molecular consequence: missense variant. On other transcripts: 5 prime UTR variant (2), non-coding transcript variant (1), intron variant (2).
Genome position (GRCh38, 1-based): chr16:66,549,940, G>T on the plus strand (C>A on the coding strand, the complement: TK2 is on the minus strand). VCF-style: chr16-66549940-G-T. GRCh37 (hg19) VCF-style: chr16-66583843-G-T.
Other names: p.P41H:CCC>CAC; c.122C>A, p.Pro41His (NM_001172644.2, NM_001172645.2); c.-121C>A (NM_001271934.2); c.-531C>A (NM_001272050.2); c.31+313C>A (NM_001271935.1, NM_001172643.1); short protein forms P41H.
Identifiers: ClinVar variation 215262 (VCV000215262.65), dbSNP rs201904720, ClinGen allele CA320145.

ClinVar aggregate classification (germline): Conflicting classifications of pathogenicity. Review status: criteria provided, conflicting classifications (1 of 4 stars). 7 submissions from 7 submitters: Uncertain significance (2); Benign (1); Likely benign (3). 1 of the submissions does not count toward it. Last evaluated 2026-01-26.

Conditions:
TK2-related disorder. Also called: TK2-related condition.
Mitochondrial DNA depletion syndrome, myopathic form (MTDPS2). Also called: TK2-Related Mitochondrial DNA Maintenance Defect, Myopathic Form; MITOCHONDRIAL DNA DEPLETION SYNDROME 2 (MYOPATHIC TYPE); MITOCHONDRIAL DNA DEPLETION MYOPATHY, TK2-RELATED. Identifiers: Orphanet 254875, MedGen C3149750, MONDO:0012301, OMIM 609560.

Allele frequency attached by ClinVar (database versions not stated): 1000 Genomes Project 0.00060; 1000 Genomes Project 30x 0.00062; gnomAD 0.00073; gnomAD exomes 0.00081; ESP Exome Variant Server 0.00085; TOPMed 0.00119; ExAC 0.00175.
gnomAD v4.1: 967 of 1,354,004 alleles (0.071%); highest among the groups gnomAD compares: Middle Eastern, 0.66%; 4 homozygotes.

Submissions (7):

Labcorp Genetics (formerly Invitae), Labcorp
Classification: Benign. Last evaluated: 2026-01-26. Review status: criteria provided, single submitter. Criteria: Invitae Variant Classification Sherloc (09022015). Collection method: clinical testing. Allele origin: germline.

CeGaT Center for Human Genetics Tuebingen
Classification: Likely benign. Last evaluated: 2025-10-01. Review status: criteria provided, single submitter. Criteria: CeGaT Center For Human Genetics Tuebingen Variant Classification Criteria Version 2. Collection method: clinical testing. Allele origin: germline. Affected: yes. Observed: 1 variant allele.
Comment: TK2: BS1

Blueprint Genetics
Classification: Uncertain significance. Last evaluated: 2024-11-22. Review status: criteria provided, single submitter. Criteria: ACMG Guidelines, 2015. Collection method: clinical testing. Allele origin: germline.

GeneDx
Classification: Likely benign. Last evaluated: 2021-02-24. Review status: criteria provided, single submitter. Criteria: GeneDx Variant Classification Process June 2021. Collection method: clinical testing. Allele origin: germline. Affected: yes.

Illumina Laboratory Services, Illumina
Classification: Likely benign for Mitochondrial DNA depletion syndrome, myopathic form. Last evaluated: 2017-04-27. Review status: criteria provided, single submitter. Criteria: ICSL Variant Classification Criteria 13 December 2019. Collection method: clinical testing. Allele origin: germline.
Comment: This variant was observed as part of a predisposition screen in an ostensibly healthy population. A literature search was performed for the gene, cDNA change, and amino acid change (where applicable). No publications were found based on this search. Allele frequency data from public databases allowed determination this variant is unlikely to cause disease. Therefore, this variant is classified as likely benign.

Mayo Clinic Laboratories, Mayo Clinic
Classification: Uncertain significance for Mitochondrial DNA depletion syndrome, myopathic form. Last evaluated: 2017-03-30. Review status: criteria provided, single submitter. Criteria: ACMG Guidelines, 2015. Collection method: clinical testing. Allele origin: maternal.

PreventionGenetics, part of Exact Sciences
Classification: Benign for TK2-related condition. Last evaluated: 2019-05-08. Review status: no assertion criteria provided. Collection method: clinical testing. Allele origin: germline. Not counted in ClinVar's aggregate classification.
Comment: This variant is classified as benign based on ACMG/AMP sequence variant interpretation guidelines (Richards et al. 2015 PMID: 25741868, with internal and published modifications).